The following is an entry in ClinVar:

NM_002075.4(GNB3):c.41T>G (p.Leu14Arg)

Gene: GNB3 (G protein subunit beta 3; plus strand). Cytogenetic location: 12p13.31.
Variant type: single nucleotide variant.
Coding change: c.41T>G on transcript NM_002075.4 (MANE Select); coding-DNA position 41, T replaced by G.
Protein change: p.Leu14Arg; replaces leucine 14 with arginine.
Molecular consequence: missense variant.
Genome position (GRCh38, 1-based): chr12:6,841,328, T>G. VCF-style: chr12-6841328-T-G. GRCh37 (hg19) VCF-style: chr12-6950492-T-G.
Other names: c.41T>G, p.Leu14Arg (NM_001297571.2); c.41T>G (NM_002075.2); short protein forms L14R.
Identifiers: ClinVar variation 853771 (VCV000853771.10), dbSNP rs782520640, ClinGen allele CA6417339.

ClinVar aggregate classification (germline): Uncertain significance. Review status: criteria provided, multiple submitters, no conflicts (2 of 4 stars). 2 submissions from 2 submitters: Uncertain significance (2). Last evaluated 2025-06-07.

Conditions:
Inborn genetic diseases. Identifiers: MedGen C0950123, MeSH D030342.

Allele frequency attached by ClinVar (database versions not stated): gnomAD exomes below 0.00001; ExAC 0.00001.

Submissions (2):

Ambry Genetics
Classification: Uncertain significance for Inborn genetic diseases. Last evaluated: 2025-06-07. Review status: criteria provided, single submitter. Criteria: Ambry Variant Classification Scheme 2023. Collection method: clinical testing. Allele origin: germline.

Labcorp Genetics (formerly Invitae), Labcorp
Classification: Uncertain significance. Last evaluated: 2022-07-30. Review status: criteria provided, single submitter. Criteria: Invitae Variant Classification Sherloc (09022015). Collection method: clinical testing. Allele origin: germline.
Comment: ClinVar contains an entry for this variant (Variation ID: 853771). Algorithms developed to predict the effect of missense changes on protein structure and function are either unavailable or do not agree on the potential impact of this missense change (SIFT: "Deleterious"; PolyPhen-2: "Probably Damaging"; Align-GVGD: "Class C0"). In summary, the available evidence is currently insufficient to determine the role of this variant in disease. Therefore, it has been classified as a Variant of Uncertain Significance. This sequence change replaces leucine, which is neutral and non-polar, with arginine, which is basic and polar, at codon 14 of the GNB3 protein (p.Leu14Arg). This variant is present in population databases (rs782520640, gnomAD 0.003%). This variant has not been reported in the literature in individuals affected with GNB3-related conditions.